The following is an entry in ClinVar:

NM_000426.4(LAMA2):c.7952T>C (p.Val2651Ala)

Gene: LAMA2 (laminin subunit alpha 2; plus strand). Cytogenetic location: 6q22.33.
Variant type: single nucleotide variant.
Coding change: c.7952T>C on transcript NM_000426.4 (MANE Select); coding-DNA position 7952, T replaced by C.
Protein change: p.Val2651Ala; replaces valine 2651 with alanine.
Molecular consequence: missense variant.
Genome position (GRCh38, 1-based): chr6:129,491,954, T>C. VCF-style: chr6-129491954-T-C. GRCh37 (hg19) VCF-style: chr6-129813099-T-C.
Other names: c.7940T>C, p.Val2647Ala (NM_001079823.2); short protein forms V2647A, V2651A.
Identifiers: ClinVar variation 945484 (VCV000945484.9), dbSNP rs1427880407, ClinGen allele CA365630563.

ClinVar aggregate classification (germline): Uncertain significance. Review status: criteria provided, multiple submitters, no conflicts (2 of 4 stars). 2 submissions from 2 submitters: Uncertain significance (2). Last evaluated 2024-10-13.

Conditions:
LAMA2-related muscular dystrophy (LAMA2-RD). Also called: Laminin alpha 2-related dystrophy. Identifiers: MedGen C5679788, MONDO:0100228.

Allele frequency attached by ClinVar (database versions not stated): gnomAD exomes below 0.00001; TOPMed below 0.00001.
gnomAD v4.1: 6 of 1,613,984 alleles (0.00037%); highest among the groups gnomAD compares: South Asian, 0.0055%; no homozygotes.

Submissions (2):

Labcorp Genetics (formerly Invitae), Labcorp
Classification: Uncertain significance for LAMA2-related muscular dystrophy. Last evaluated: 2024-10-13. Review status: criteria provided, single submitter. Criteria: Invitae Variant Classification Sherloc (09022015). Collection method: clinical testing. Allele origin: germline.
Comment: This sequence change replaces valine, which is neutral and non-polar, with alanine, which is neutral and non-polar, at codon 2651 of the LAMA2 protein (p.Val2651Ala). This variant is present in population databases (no rsID available, gnomAD 0.003%). This variant has not been reported in the literature in individuals affected with LAMA2-related conditions. ClinVar contains an entry for this variant (Variation ID: 945484). Invitae Evidence Modeling of protein sequence and biophysical properties (such as structural, functional, and spatial information, amino acid conservation, physicochemical variation, residue mobility, and thermodynamic stability) indicates that this missense variant is not expected to disrupt LAMA2 protein function with a negative predictive value of 95%. In summary, the available evidence is currently insufficient to determine the role of this variant in disease. Therefore, it has been classified as a Variant of Uncertain Significance.

Revvity Omics, Revvity
Classification: Uncertain significance. Last evaluated: 2019-06-06. Review status: criteria provided, single submitter. Criteria: ACMG Guidelines, 2015. Collection method: clinical testing. Allele origin: germline.